The following is an entry in ClinVar:

ClinVar aggregate classification (germline): Uncertain significance (1 of 4 stars; one submission).

Allele frequency attached by ClinVar (database versions not stated): TOPMed below 0.00001; gnomAD 0.00001; gnomAD exomes 0.00001.
gnomAD v4.1: 22 of 1,613,644 alleles (0.0014%); highest among the groups gnomAD compares: Non-Finnish European, 0.0018%; no homozygotes.

Submission:

Labcorp Genetics (formerly Invitae), Labcorp
Classification: Uncertain significance. Last evaluated: 2026-01-05. Review status: criteria provided, single submitter. Criteria: Invitae Variant Classification Sherloc (09022015). Collection method: clinical testing. Allele origin: germline.
Comment: This sequence change replaces methionine, which is neutral and non-polar, with valine, which is neutral and non-polar, at codon 512 of the DEAF1 protein (p.Met512Val). This variant is not present in population databases (gnomAD no frequency). This variant has not been reported in the literature in individuals affected with DEAF1-related conditions. ClinVar contains an entry for this variant (Variation ID: 2040510). Invitae Evidence Modeling of protein sequence and biophysical properties (such as structural, functional, and spatial information, amino acid conservation, physicochemical variation, residue mobility, and thermodynamic stability) has been performed for this missense variant. However, the output from this modeling did not meet the statistical confidence thresholds required to predict the impact of this variant on DEAF1 protein function. In summary, the available evidence is currently insufficient to determine the role of this variant in disease. Therefore, it has been classified as a Variant of Uncertain Significance.

NM_021008.4(DEAF1):c.1534A>G (p.Met512Val)

Gene: DEAF1 (DEAF1 transcription factor; minus strand). Cytogenetic location: 11p15.5.
Variant type: single nucleotide variant.
Coding change: c.1534A>G on transcript NM_021008.4 (MANE Select); coding-DNA position 1534, A replaced by G.
Protein change: p.Met512Val; replaces methionine 512 with valine.
Molecular consequence: missense variant.
Genome position (GRCh38, 1-based): chr11:654,021, T>C on the plus strand (A>G on the coding strand, the complement: DEAF1 is on the minus strand). VCF-style: chr11-654021-T-C. GRCh37 (hg19) VCF-style: chr11-654021-T-C.
Other names: c.1309A>G, p.Met437Val (NM_001293634.2); c.808A>G, p.Met270Val (NM_001367390.1); short protein forms M512V, M437V, M270V.
Identifiers: ClinVar variation 2040510 (VCV002040510.4), dbSNP rs1189473860, ClinGen allele CA379016445.